The following is an entry in ClinVar:

NM_170707.4(LMNA):c.547C>A (p.Leu183Ile)

Gene: LMNA (lamin A/C; plus strand). Cytogenetic location: 1q22.
Variant type: single nucleotide variant.
Coding change: c.547C>A on transcript NM_170707.4 (MANE Select); coding-DNA position 547, C replaced by A.
Protein change: p.Leu183Ile; replaces leucine 183 with isoleucine.
Molecular consequence: missense variant. On other transcripts: 5 prime UTR variant (11).
Genome position (GRCh38, 1-based): chr1:156,134,436, C>A. VCF-style: chr1-156134436-C-A. GRCh37 (hg19) VCF-style: chr1-156104227-C-A.
Other names: c.211C>A, p.Leu71Ile (NM_001257374.3, NM_001406989.1, NM_001406998.1); c.304C>A, p.Leu102Ile (NM_001282624.2, NM_001406986.1, NM_001406987.1); c.547C>A, p.Leu183Ile (NM_001282625.2, NM_001282626.2, NM_001406983.1 and 6 more transcripts); c.-12C>A (NM_001407003.1, NM_001406990.1, NM_001406993.1 and 4 more transcripts); c.250C>A, p.Leu84Ile (NM_001406988.1); c.-118C>A (NM_001406994.1, NM_001406999.1, NM_001407000.1 and 1 more transcripts); short protein forms L102I, L183I, L71I, L84I.
Identifiers: ClinVar variation 4685013 (VCV004685013.1).
Genomic context (GRCh38, chr1:156,134,436, plus strand): 5'-TCCTCATCTCTGCCTGCTTCCTCACAGCTTGAGGCAGCCCTAGGTGAGGCCAAGAAGCAA[C>A]TTCAGGATGAGATGCTGCGGCGGGTGGATGCTGAGAACAGGCTGCAGACCATGAAGGAGG-3'
Protein context (NP_733821.1, residues 173-193): EAALGEAKKQ[Leu183Ile]QDEMLRRVDA

ClinVar aggregate classification (germline): Uncertain significance (1 of 4 stars; one submission).

Submission:

GeneDx
Classification: Uncertain significance. Last evaluated: 2025-07-08. Review status: criteria provided, single submitter. Criteria: GeneDx Variant Classification Process June 2021. Collection method: clinical testing. Allele origin: germline. Affected: yes.
Comment: Not observed at significant frequency in large population cohorts (gnomAD); In silico analysis suggests that this missense variant does not alter protein structure/function; Has not been previously published as pathogenic or benign to our knowledge; This variant is associated with the following publications: (PMID: 10939567)